The following is an entry in ClinVar:

NM_000059.4(BRCA2):c.3107A>C (p.Glu1036Ala)

Gene: BRCA2 (BRCA2 DNA repair associated; plus strand). Cytogenetic location: 13q13.1.
Variant type: single nucleotide variant.
Coding change: c.3107A>C on transcript NM_000059.4 (MANE Select); coding-DNA position 3107, A replaced by C.
Protein change: p.Glu1036Ala; replaces glutamic acid 1036 with alanine.
Molecular consequence: missense variant. On other transcripts: non-coding transcript variant (1), intron variant (2).
Genome position (GRCh38, 1-based): chr13:32,337,462, A>C. VCF-style: chr13-32337462-A-C. GRCh37 (hg19) VCF-style: chr13-32911599-A-C.
Other names: c.3107A>C, p.Glu1036Ala (NM_001406719.1, NM_001406720.1, NM_001432077.1); c.1909+4075A>C (NM_001406721.1); c.424+6432A>C (NM_001406722.1); short protein forms E1036A.
Identifiers: ClinVar variation 3636451 (VCV003636451.2).

ClinVar aggregate classification (germline): Uncertain significance (1 of 4 stars; one submission).

Conditions:
Hereditary breast ovarian cancer syndrome. Also called: Hereditary breast and ovarian cancer syndrome; Hereditary breast and ovarian cancer syndrome (HBOC); BRCA1- and BRCA2-Associated Hereditary Breast and Ovarian Cancer; Hereditary breast and ovarian cancer; Breast and ovarian cancer; Hereditary breast and/or ovarian cancer syndrome. Identifiers: Orphanet 145, MedGen C0677776, MeSH D061325, MONDO:0003582. Disease mechanism: loss of function.

Submission:

Labcorp Genetics (formerly Invitae), Labcorp
Classification: Uncertain significance for Hereditary breast ovarian cancer syndrome. Last evaluated: 2024-10-27. Review status: criteria provided, single submitter. Criteria: Invitae Variant Classification Sherloc (09022015). Collection method: clinical testing. Allele origin: germline.
Comment: This sequence change replaces glutamic acid, which is acidic and polar, with alanine, which is neutral and non-polar, at codon 1036 of the BRCA2 protein (p.Glu1036Ala). This variant is not present in population databases (gnomAD no frequency). This variant has not been reported in the literature in individuals affected with BRCA2-related conditions. Invitae Evidence Modeling of protein sequence and biophysical properties (such as structural, functional, and spatial information, amino acid conservation, physicochemical variation, residue mobility, and thermodynamic stability) indicates that this missense variant is not expected to disrupt BRCA2 protein function with a negative predictive value of 95%. In summary, the available evidence is currently insufficient to determine the role of this variant in disease. Therefore, it has been classified as a Variant of Uncertain Significance.